The following is an entry in ClinVar:

ClinVar aggregate classification (germline): Uncertain significance (1 of 4 stars; one submission).

Conditions:
Dyskeratosis congenita. Identifiers: Orphanet 1775, MedGen C0265965, MONDO:0015780.

Submission:

Labcorp Genetics (formerly Invitae), Labcorp
Classification: Uncertain significance for Dyskeratosis congenita. Last evaluated: 2023-11-17. Review status: criteria provided, single submitter. Criteria: Invitae Variant Classification Sherloc (09022015). Collection method: clinical testing. Allele origin: germline.
Comment: This sequence change creates a premature translational stop signal (p.Glu307Lysfs*10) in the TINF2 gene. It is expected to result in an absent or disrupted protein product. However, the current clinical and genetic evidence is not sufficient to establish whether loss-of-function variants in TINF2 cause disease. This variant is not present in population databases (gnomAD no frequency). This variant has not been reported in the literature in individuals affected with TINF2-related conditions. In summary, the available evidence is currently insufficient to determine the role of this variant in disease. Therefore, it has been classified as a Variant of Uncertain Significance.

NM_001099274.3(TINF2):c.919del (p.Glu307fs)

Gene: TINF2 (TERF1 interacting nuclear factor 2; minus strand). Cytogenetic location: 14q12.
Variant type: Deletion.
Coding change: c.919del on transcript NM_001099274.3 (MANE Select); coding-DNA position 919, one base deleted (G; older notation c.919delG).
Protein change: p.Glu307fs; shifts the reading frame from glutamic acid 307.
Molecular consequence: frameshift variant.
Genome position (GRCh38, 1-based): chr14:24,240,561, C deleted on the plus strand (G on the coding strand, the reverse complement: TINF2 is on the minus strand); the first of 2 consecutive C bases (chr14:24,240,561-24,240,562); deleting either gives the same sequence. VCF-style (leftmost placement, unchanged base first): chr14-24240560-TC-T. GRCh37 (hg19) VCF-style: chr14-24709766-TC-T.
Other names: c.814del, p.Glu272fs (NM_001363668.2); c.919del, p.Glu307fs (NM_012461.3); short protein forms E307fs, E272fs.
Identifiers: ClinVar variation 2865763 (VCV002865763.3), dbSNP rs2040551370, ClinGen allele CA2123849271.
Genomic context (GRCh38, chr14:24,240,560, plus strand): 5'-TTCCCAGTGGAGGCTGCTCTTGTGCCCATGGCTAGGTCTGCTGTGTATATCGCATGTTCT[TC>T]CTTGCTCTCAGGCTTAGATATGACCTGGGTTGGTGAGCCGAGATTCCTAAAGGGAAACAG-3'